The following is an entry in ClinVar:

ClinVar aggregate classification (germline): Uncertain significance. Review status: criteria provided, multiple submitters, no conflicts (2 of 4 stars). 5 submissions from 5 submitters: Uncertain significance (5). Last evaluated 2025-09-08.

Conditions:
Pheochromocytoma. Also called: MAX-Related Hereditary Paraganglioma-Pheochromocytoma Syndrome. Identifiers: Orphanet 29072, MedGen C0031511, MONDO:0008233, OMIM 171300, HP:0002666.
Familial medullary thyroid carcinoma (MTC). Also called: Thyroid cancer, familial medullary; MTC, familial; Familial Medullary Thyroid Carcinoma (FMTC). Identifiers: Orphanet 653, Orphanet 99361, MedGen C1833921, MONDO:0007958, OMIM 155240.
Multiple endocrine neoplasia type 2B. Also called: Multiple endocrine neoplasia, type 3; MULTIPLE ENDOCRINE NEOPLASIA, TYPE IIB; MUCOSAL NEUROMA SYNDROME; MEN 2B; Multiple Endocrine Neoplasia Type 2B (MEN2B); MEN IIB. Identifiers: Orphanet 247709, Orphanet 653, MedGen C0025269, MeSH D018814, MONDO:0008082, OMIM 162300.
Multiple endocrine neoplasia type 2A. Also called: MULTIPLE ENDOCRINE NEOPLASIA, TYPE IIA; PTC SYNDROME; SIPPLE SYNDROME; MEN 2A; MEN-2A syndrome; Pheochromocytoma and amyloid producing medullary thyroid carcinoma. Identifiers: Orphanet 247698, Orphanet 653, MedGen C0025268, MeSH D018813, MONDO:0008234, OMIM 171400.
Hirschsprung disease, susceptibility to, 1 (HSCR1). Also called: RET-Related Hirschsprung Disease. Identifiers: Orphanet 388, MedGen C3888239, MONDO:0007723, OMIM 142623.
Hereditary cancer-predisposing syndrome. Also called: Neoplastic Syndromes, Hereditary; Hereditary Cancer Syndrome; Tumor predisposition; Hereditary neoplastic syndrome. Identifiers: Orphanet 140162, MedGen C0027672, MeSH D009386, MONDO:0015356.
Multiple endocrine neoplasia, type 2 (MEN2). Identifiers: Orphanet 653, MedGen C4048306, MONDO:0019003. Disease mechanism: gain of function.

Allele frequency attached by ClinVar (database versions not stated): gnomAD exomes below 0.00001 and 0.00001; ExAC 0.00001; gnomAD 0.00001; TOPMed 0.00001.

Submissions (5):

Labcorp Genetics (formerly Invitae), Labcorp
Classification: Uncertain significance for Multiple endocrine neoplasia, type 2. Last evaluated: 2025-09-08. Review status: criteria provided, single submitter. Criteria: Invitae Variant Classification Sherloc (09022015). Collection method: clinical testing. Allele origin: germline.
Comment: This sequence change replaces arginine, which is basic and polar, with cysteine, which is neutral and slightly polar, at codon 114 of the RET protein (p.Arg114Cys). This variant is present in population databases (rs747483905, gnomAD 0.007%). This missense change has been observed in individual(s) with Hirschsprung disease (PMID: 22174939). ClinVar contains an entry for this variant (Variation ID: 560870). An algorithm developed to predict the effect of missense changes on protein structure and function (PolyPhen-2) suggests that this variant is likely to be tolerated. In summary, the available evidence is currently insufficient to determine the role of this variant in disease. Therefore, it has been classified as a Variant of Uncertain Significance.

Ambry Genetics
Classification: Uncertain significance for Hereditary cancer-predisposing syndrome. Last evaluated: 2025-01-12. Review status: criteria provided, single submitter. Criteria: Ambry Variant Classification Scheme 2023. Collection method: clinical testing. Allele origin: germline.
Comment: The p.R114C variant (also known as c.340C>T), located in coding exon 3 of the RET gene, results from a C to T substitution at nucleotide position 340. The arginine at codon 114 is replaced by cysteine, an amino acid with highly dissimilar properties. This alteration has been reported in individuals affected with Hirschsprung disease (So MT et al. PLoS One, 2011 Dec;6:e28986; Tang CS et al. Gastroenterology, 2018 12;155:1908-1922.e5). This amino acid position is poorly conserved in available vertebrate species. In addition, this alteration is predicted to be tolerated by in silico analysis. Since supporting evidence is limited at this time, the clinical significance of this alteration remains unclear.

Fulgent Genetics
Classification: Uncertain significance for Hirschsprung disease, susceptibility to, 1; Familial medullary thyroid carcinoma; Multiple endocrine neoplasia type 2B; Pheochromocytoma; Multiple endocrine neoplasia type 2A. Last evaluated: 2024-03-12. Review status: criteria provided, single submitter. Criteria: ACMG Guidelines, 2015. Collection method: clinical testing. Allele origin: germline.

All of Us Research Program, National Institutes of Health
Classification: Uncertain significance for Multiple endocrine neoplasia, type 2. Last evaluated: 2024-01-03. Review status: criteria provided, single submitter. Criteria: ACMG Guidelines, 2015. Collection method: clinical testing. Allele origin: germline. Inheritance: Autosomal dominant inheritance. Observed: 1 variant allele, 1 heterozygote.
Comment: This study involves interpretation of variants in research participants for the purpose of population health screening. Participant phenotype was not available at the time of variant classification. Additional details can be found in publication PMID: 35346344, PMCID: PMC8962531

PreventionGenetics, part of Exact Sciences
Classification: Uncertain significance. Last evaluated: 2017-12-22. Review status: criteria provided, single submitter. Criteria: ACMG Guidelines, 2015. Collection method: clinical testing. Allele origin: germline.

Literature cited by the submitters: PubMed 22174939 (cited by Labcorp Genetics (formerly Invitae), Labcorp and Ambry Genetics); PubMed 30217742 (cited by Ambry Genetics).

NM_020975.6(RET):c.340C>T (p.Arg114Cys)

Gene: RET (ret proto-oncogene; plus strand). Cytogenetic location: 10q11.21.
Variant type: single nucleotide variant.
Coding change: c.340C>T on transcript NM_020975.6 (MANE Select); coding-DNA position 340, C replaced by T.
Protein change: p.Arg114Cys; replaces arginine 114 with cysteine.
Molecular consequence: missense variant.
Genome position (GRCh38, 1-based): chr10:43,102,344, C>T. VCF-style: chr10-43102344-C-T. GRCh37 (hg19) VCF-style: chr10-43597792-C-T.
Other names: c.340C>T, p.Arg114Cys (NM_000323.2, NM_001406743.1, NM_001406744.1 and 16 more transcripts); short protein forms R114C.
Identifiers: ClinVar variation 560870 (VCV000560870.18), dbSNP rs747483905, ClinGen allele CA043390.